The following is an entry in ClinVar:

NM_000548.5(TSC2):c.5183G>A (p.Ser1728Asn)

Gene: TSC2 (TSC complex subunit 2; plus strand). Cytogenetic location: 16p13.3.
Variant type: single nucleotide variant.
Coding change: c.5183G>A on transcript NM_000548.5 (MANE Select); coding-DNA position 5183, G replaced by A.
Protein change: p.Ser1728Asn; replaces serine 1728 with asparagine.
Molecular consequence: missense variant.
Genome position (GRCh38, 1-based): chr16:2,088,249, G>A. VCF-style: chr16-2088249-G-A. GRCh37 (hg19) VCF-style: chr16-2138250-G-A.
Other names: c.4982G>A, p.Ser1661Asn (NM_001077183.3); c.5114G>A, p.Ser1705Asn (NM_001114382.3); c.4874G>A, p.Ser1625Asn (NM_001318827.2); c.4838G>A, p.Ser1613Asn (NM_001318829.2); c.4451G>A, p.Ser1484Asn (NM_001318831.2); c.5015G>A, p.Ser1672Asn (NM_001318832.2); c.4985G>A, p.Ser1662Asn (NM_001363528.2); c.5051G>A, p.Ser1684Asn (NM_001370404.1); and 2 more; short protein forms S1625N, S1672N, S1681N, S1685N, S1613N, S1661N, S1728N, S1484N.
Identifiers: ClinVar variation 663492 (VCV000663492.8), dbSNP rs1596460117, ClinGen allele CA394314108.

ClinVar aggregate classification (germline): Uncertain significance (1 of 4 stars; one submission).

Conditions:
Tuberous sclerosis 2 (TSC2). Identifiers: Orphanet 805, MedGen C1860707, MONDO:0013199, OMIM 613254.

Submission:

Labcorp Genetics (formerly Invitae), Labcorp
Classification: Uncertain significance for Tuberous sclerosis 2. Last evaluated: 2022-11-22. Review status: criteria provided, single submitter. Criteria: Invitae Variant Classification Sherloc (09022015). Collection method: clinical testing. Allele origin: germline.
Comment: In summary, the available evidence is currently insufficient to determine the role of this variant in disease. Therefore, it has been classified as a Variant of Uncertain Significance. Advanced modeling of protein sequence and biophysical properties (such as structural, functional, and spatial information, amino acid conservation, physicochemical variation, residue mobility, and thermodynamic stability) performed at Invitae indicates that this missense variant is not expected to disrupt TSC2 protein function. ClinVar contains an entry for this variant (Variation ID: 663492). This variant has not been reported in the literature in individuals affected with TSC2-related conditions. This variant is not present in population databases (gnomAD no frequency). This sequence change replaces serine, which is neutral and polar, with asparagine, which is neutral and polar, at codon 1728 of the TSC2 protein (p.Ser1728Asn).